The following is an entry in ClinVar:

ClinVar aggregate classification (germline): Uncertain significance (1 of 4 stars; one submission).

gnomAD v4.1: 2 of 1,208,765 alleles (0.00017%); highest among the groups gnomAD compares: South Asian, 0.0018%; no homozygotes.

Submission:

GeneDx
Classification: Uncertain significance. Last evaluated: 2026-01-21. Review status: criteria provided, single submitter. Criteria: GeneDx Variant Classification Process June 2021. Collection method: clinical testing. Allele origin: germline.
Comment: Not observed at significant frequency in large population cohorts (gnomAD); In silico analysis supports that this missense variant has a deleterious effect on protein structure/function; Has not been previously published as pathogenic or benign to our knowledge

NM_005660.3(SLC35A2):c.172C>T (p.Arg58Cys)

Gene: SLC35A2 (solute carrier family 35 member A2; minus strand). Cytogenetic location: Xp11.23.
Variant type: single nucleotide variant.
Coding change: c.172C>T on transcript NM_005660.3 (MANE Select); coding-DNA position 172, C replaced by T.
Protein change: p.Arg58Cys; replaces arginine 58 with cysteine.
Molecular consequence: missense variant. On other transcripts: intron variant (1).
Genome position (GRCh38, 1-based): chrX:48,909,916, G>A on the plus strand (C>T on the coding strand, the complement: SLC35A2 is on the minus strand). VCF-style: chrX-48909916-G-A. GRCh37 (hg19) VCF-style: chrX-48767193-G-A.
Other names: c.172C>T, p.Arg58Cys (NM_001032289.3, NM_001042498.3, NM_001282647.2); c.100C>T, p.Arg34Cys (NM_001282648.2); c.211C>T, p.Arg71Cys (NM_001282650.2); c.256C>T, p.Arg86Cys (NM_001282651.2); c.91+1630C>T (NM_001282649.2); short protein forms R34C, R58C, R71C, R86C.
Identifiers: ClinVar variation 4975255 (VCV004975255.1).